The following is an entry in ClinVar:

NM_000082.4(ERCC8):c.410del (p.Val137fs)

Gene: ERCC8 (ERCC excision repair 8, CSA ubiquitin ligase complex subunit; minus strand). Cytogenetic location: 5q12.1.
Variant type: Deletion.
Coding change: c.410del on transcript NM_000082.4 (MANE Select); coding-DNA position 410, one base deleted (T; older notation c.410delT).
Protein change: p.Val137fs; shifts the reading frame from valine 137.
Molecular consequence: frameshift variant. On other transcripts: intron variant (1).
Genome position (GRCh38, 1-based): chr5:60,904,863, A deleted on the plus strand (T on the coding strand, the reverse complement: ERCC8 is on the minus strand). VCF-style (leftmost placement, unchanged base first): chr5-60904862-TA-T. GRCh37 (hg19) VCF-style: chr5-60200689-TA-T.
Other names: c.236del, p.Val79fs (NM_001007233.3); c.410del, p.Val137fs (NM_001007234.3); c.23-1147del (NM_001290285.2); short protein forms V137fs, V79fs.
Identifiers: ClinVar variation 5014411 (VCV005014411.1).

ClinVar aggregate classification (germline): Pathogenic (1 of 4 stars; one submission).

Conditions:
Cockayne syndrome type 1. Also called: Cockayne syndrome type I; Cockayne syndrome classical; Cockayne syndrome classic form. Identifiers: Orphanet 191, Orphanet 90321, MedGen C0751039, MONDO:0019569, OMIM 216400.

Submission:

Myriad Genetics, Inc.
Classification: Pathogenic for Cockayne syndrome type 1. Last evaluated: 2025-05-09. Review status: criteria provided, single submitter. Criteria: Myriad Autosomal Dominant, Autosomal Recessive and X-Linked Classification Criteria (2023). Collection method: clinical testing. Allele origin: unknown.
Comment: NM_000082.3(ERCC8):c.410delT(V137Dfs*23) is expected to be pathogenic in the context of ERCC8-related disorders. This variant is predicted to lead to an abnormal or absent protein product due to the creation of a premature termination codon in ERCC8, a gene where loss-of-function variants are known to be pathogenic. Please note: this variant was assessed in the context of healthy population screening.